The following is an entry in ClinVar:

ClinVar aggregate classification (germline): Conflicting classifications of pathogenicity. Review status: criteria provided, conflicting classifications (1 of 4 stars). 12 submissions from 9 submitters: Uncertain significance (1); Benign (5); Likely benign (5). 1 of the submissions does not count toward it. Last evaluated 2026-04-01.

Conditions:
TTN-related disorder. Also called: TTN-related condition; TTN-related disease; TTN-related disorders.
Autosomal recessive limb-girdle muscular dystrophy type 2J (LGMDR10). Also called: Limb-girdle muscular dystrophy, type 2J; MUSCULAR DYSTROPHY, LIMB-GIRDLE, AUTOSOMAL RECESSIVE 10. Identifiers: Orphanet 140922, MedGen C1837342, MONDO:0012127, OMIM 608807.
Dilated cardiomyopathy 1G (CMD1G). Identifiers: Orphanet 154, MedGen C1858763, MONDO:0011400, OMIM 604145.
Early-onset myopathy with fatal cardiomyopathy (CMYO5). Also called: CONGENITAL MYOPATHY 5 WITH CARDIOMYOPATHY; Salih Myopathy. Identifiers: Orphanet 289377, MedGen C2673677, MONDO:0012714, OMIM 611705. Disease mechanism: loss of function.
Tibial muscular dystrophy (TMD). Also called: Tibial muscular dystrophy, tardive; UDD MYOPATHY; Udd Distal Myopathy – Tibial Muscular Dystrophy. Identifiers: Orphanet 609, MedGen C1838244, MONDO:0010870, OMIM 600334.
Myopathy, myofibrillar, 9, with early respiratory failure (MFM9). Also called: Hereditary myopathy with early respiratory failure; MYOPATHY, PROXIMAL, WITH EARLY RESPIRATORY MUSCLE INVOLVEMENT; Myopathy, distal, with early respiratory failure, autosomal dominant; EDSTROM MYOPATHY. Identifiers: Orphanet 178464, Orphanet 34521, MedGen C1863599, MONDO:0011362, OMIM 603689.

Allele frequency attached by ClinVar (database versions not stated): gnomAD exomes 0.00010 and 0.00028; ExAC 0.00033; gnomAD 0.00072 and 0.00076; TOPMed 0.00085; 1000 Genomes Project 30x 0.00094; 1000 Genomes Project 0.00100; ESP Exome Variant Server 0.00116.
gnomAD v4.1: 262 of 1,613,766 alleles (0.016%); highest among the groups gnomAD compares: African/African-American, 0.26%; no homozygotes.

Submissions (12):

CeGaT Center for Human Genetics Tuebingen
Classification: Uncertain significance. Last evaluated: 2026-04-01. Review status: criteria provided, single submitter. Criteria: CeGaT Center For Human Genetics Tuebingen Variant Classification Criteria Version 2. Collection method: clinical testing. Allele origin: germline. Affected: yes. Observed: 1 variant allele.
Comment: TTN: PM2

Labcorp Genetics (formerly Invitae), Labcorp
Classification: Likely benign for Dilated cardiomyopathy 1G; Autosomal recessive limb-girdle muscular dystrophy type 2J. Last evaluated: 2026-02-01. Review status: criteria provided, single submitter. Criteria: Invitae Variant Classification Sherloc (09022015). Collection method: clinical testing. Allele origin: germline.

Molecular Diagnostic Laboratory for Inherited Cardiovascular Disease, Montreal Heart Institute
Classification: Likely benign. Last evaluated: 2025-04-09. Review status: criteria provided, single submitter. Criteria: ACMG Guidelines, 2015. Collection method: clinical testing. Allele origin: germline. Affected: no.
Comment: BS1;BP1

Genome-Nilou Lab
Classification: Benign for Autosomal recessive limb-girdle muscular dystrophy type 2J. Last evaluated: 2021-09-10. Review status: criteria provided, single submitter. Criteria: ACMG Guidelines, 2015. Collection method: clinical testing. Allele origin: germline. Affected: no.

Genome-Nilou Lab
Classification: Benign for Myopathy, myofibrillar, 9, with early respiratory failure. Last evaluated: 2021-09-10. Review status: criteria provided, single submitter. Criteria: ACMG Guidelines, 2015. Collection method: clinical testing. Allele origin: germline. Affected: no.

Genome-Nilou Lab
Classification: Benign for Early-onset myopathy with fatal cardiomyopathy. Last evaluated: 2021-09-10. Review status: criteria provided, single submitter. Criteria: ACMG Guidelines, 2015. Collection method: clinical testing. Allele origin: germline. Affected: no.

Genome-Nilou Lab
Classification: Benign for Tibial muscular dystrophy. Last evaluated: 2021-09-10. Review status: criteria provided, single submitter. Criteria: ACMG Guidelines, 2015. Collection method: clinical testing. Allele origin: germline. Affected: no.

Women's Health and Genetics/Laboratory Corporation of America, LabCorp
Classification: Benign. Last evaluated: 2020-07-13. Review status: criteria provided, single submitter. Criteria: LabCorp Variant Classification Summary - May 2015. Collection method: clinical testing. Allele origin: germline.
Comment: Variant summary: TTN c.12128C>T (p.Thr4043Met) results in a non-conservative amino acid change located in the I-band region of the encoded protein sequence. Three of five in-silico tools predict a damaging effect of the variant on protein function. The variant allele was found at a frequency of 0.00028 in 248540 control chromosomes, predominantly at a frequency of 0.0036 within the African or African-American subpopulation in the gnomAD database. The observed variant frequency within African or African-American control individuals in the gnomAD database is approximately 6-fold of the estimated maximal expected allele frequency for a pathogenic variant in TTN causing Cardiomyopathy phenotype (0.00063), strongly suggesting that the variant is a benign polymorphism found primarily in populations of African or African-American origin. c.12128C>T has been reported in the literature in a pediatric patient affected with Dilated Cardiomyopathy who also carried a PKP2 pathogenic variant (c.663C>A, p.Y221X; Headrick_2019). This report does not provide unequivocal conclusions about association of the variant with Cardiomyopathy. To our knowledge, no experimental evidence demonstrating an impact on protein function has been reported. Four ClinVar submitters (evaluation after 2014) cite the variant as likely benign. Based on the evidence outlined above, the variant was classified as benign.

GeneDx
Classification: Likely benign. Last evaluated: 2017-12-05. Review status: criteria provided, single submitter. Criteria: GeneDx Variant Classification (06012015). Collection method: clinical testing. Allele origin: germline. Affected: yes.
Comment: This variant is considered likely benign or benign based on one or more of the following criteria: it is a conservative change, it occurs at a poorly conserved position in the protein, it is predicted to be benign by multiple in silico algorithms, and/or has population frequency not consistent with disease.

Eurofins Ntd Llc (ga)
Classification: Likely benign. Last evaluated: 2016-11-09. Review status: criteria provided, single submitter. Criteria: EGL Classification Definitions 2015. Collection method: clinical testing. Allele origin: germline. Observed: 4 variant alleles, 4 heterozygotes.

Laboratory for Molecular Medicine, Mass General Brigham Personalized Medicine
Classification: Likely benign. Last evaluated: 2015-06-04. Review status: criteria provided, single submitter. Criteria: LMM Criteria. Collection method: clinical testing. Allele origin: germline. Observed: 1 variant allele.
Comment: p.Thr4043Met in exon 51 of TTN: This variant is not expected to have clinical si gnificance because it has been identified in 0.3% (33/9780) of African chromosom es by the Exome Aggregation Consortium (ExAC; db SNP rs148551876).

PreventionGenetics, part of Exact Sciences
Classification: Likely benign for TTN-related condition. Last evaluated: 2020-03-09. Review status: no assertion criteria provided. Collection method: clinical testing. Allele origin: germline. Not counted in ClinVar's aggregate classification.
Comment: This variant is classified as likely benign based on ACMG/AMP sequence variant interpretation guidelines (Richards et al. 2015 PMID: 25741868, with internal and published modifications).

Literature cited by the submitters: PubMed 30985088 (cited by Women's Health and Genetics/Laboratory Corporation of America, LabCorp).

NM_001267550.2(TTN):c.15860C>T (p.Thr5287Met)

Gene: TTN (titin; minus strand). Cytogenetic location: 2q31.2.
Variant type: single nucleotide variant.
Coding change: c.15860C>T on transcript NM_001267550.2 (MANE Select); coding-DNA position 15860, C replaced by T.
Protein change: p.Thr5287Met; replaces threonine 5287 with methionine.
Molecular consequence: missense variant. On other transcripts: intron variant (3).
Genome position (GRCh38, 1-based): chr2:178,733,433, G>A on the plus strand (C>T on the coding strand, the complement: TTN is on the minus strand). VCF-style: chr2-178733433-G-A. GRCh37 (hg19) VCF-style: chr2-179598160-G-A.
Other names: c.13282+4649C>T (NM_003319.4); c.13858+4649C>T (NM_133437.4); c.13657+4649C>T (NM_133432.3); c.14909C>T, p.Thr4970Met (NM_001256850.1); c.12128C>T, p.Thr4043Met (NM_133378.4); short protein forms T4043M, T5287M, T4970M.
Identifiers: ClinVar variation 228058 (VCV000228058.28), dbSNP rs148551876, ClinGen allele CA2002141.
Genomic context (GRCh38, chr2:178,733,433, plus strand): 5'-TATTTTTTACTGGCGACCAAGGGTCTCCCATCTTTGTACCATTTGGGCTTCAGTTCTGGC[G>A]TGCCTGCCACTGTGTACTCCAGTGTGGCGGGATCTCCTGCTGTCACCTGGATCAGTTCTG-3'
Protein context (NP_001254479.2, residues 5277-5297): PATLEYTVAG[Thr5287Met]PELKPKWYKD